The following is an entry in ClinVar:

ClinVar aggregate classification (germline): Uncertain significance (1 of 4 stars; one submission).

Conditions:
Baraitser-Winter syndrome 1 (BRWS1). Also called: PACHYGYRIA, MENTAL RETARDATION, EPILEPSY, AND CHARACTERISTIC FACIES; MENTAL RETARDATION WITH EPILEPSY AND CHARACTERISTIC FACIES; Cerebrofrontofacial syndrome; BARAITSER-WINTER SYNDROME 1, ATYPICAL. Identifiers: Orphanet 2649, Orphanet 2995, MedGen C1855722, MONDO:0009470, OMIM 243310.

Submission:

Broad Center for Mendelian Genomics, Broad Institute of MIT and Harvard
Classification: Uncertain significance for Baraitser-Winter syndrome 1. Last evaluated: 2022-05-04. Review status: criteria provided, single submitter. Criteria: ACMG Guidelines, 2015. Collection method: curation. Allele origin: germline. Inheritance: Autosomal dominant inheritance.
Comment: The variant has not been previously reported in individuals with Baraitser-winter syndrome 1 and was absent from large population studies. This variant is predicted to cause a frameshift, which alters the protein’s amino acid sequence beginning at position 355 and leads to a premature termination codon 2 amino acids downstream. This termination codon occurs within the last exon and is more likely to escape nonsense mediated decay (NMD) and result in a truncated protein. It is of note that loss of function of ACTB in an autosomal dominant disease has not yet been established based on the criteria laid out in Tayoun, 2018 (PMID: 30192042). In summary, the clinical significance of the p.Met355ValfsTer2 variant is uncertain. ACMG/AMP Criteria applied: PM2 (Richards 2015).

NM_001101.5(ACTB):c.1063_1082del (p.Met355fs)

Gene: ACTB (actin beta; minus strand). Cytogenetic location: 7p22.1.
Variant type: Deletion.
Coding change: c.1063_1082del on transcript NM_001101.5 (MANE Select); coding-DNA positions 1063 to 1082, 20 bases deleted (ATGTGGATCAGCAAGCAGGA).
Protein change: p.Met355fs; shifts the reading frame from methionine 355.
Molecular consequence: frameshift variant.
Genome position (GRCh38, 1-based): chr7:5,527,794-5,527,813, TCCTGCTTGCTGATCCACAT deleted on the plus strand (ATGTGGATCAGCAAGCAGGA on the coding strand, the reverse complement: ACTB is on the minus strand). VCF-style (leftmost placement, unchanged base first): chr7-5527793-CTCCTGCTTGCTGATCCACAT-C. GRCh37 (hg19) VCF-style: chr7-5567424-CTCCTGCTTGCTGATCCACAT-C.
Other names: NM_001101.5:c.1063_1082del; short protein forms M355fs.
Identifiers: ClinVar variation 1679831 (VCV001679831.1), dbSNP rs2128241165, ClinGen allele CA916079847.